The following is an entry in ClinVar:

NM_000350.3(ABCA4):c.3482G>A (p.Arg1161His)

Gene: ABCA4 (ATP binding cassette subfamily A member 4; minus strand). Cytogenetic location: 1p22.1.
Variant type: single nucleotide variant.
Coding change: c.3482G>A on transcript NM_000350.3 (MANE Select); coding-DNA position 3482, G replaced by A.
Protein change: p.Arg1161His; replaces arginine 1161 with histidine.
Molecular consequence: missense variant.
Genome position (GRCh38, 1-based): chr1:94,041,249, C>T on the plus strand (G>A on the coding strand, the complement: ABCA4 is on the minus strand). VCF-style: chr1-94041249-C-T. GRCh37 (hg19) VCF-style: chr1-94506805-C-T.
Other names: c.3260G>A, p.Arg1087His (NM_001425324.1); short protein forms R1161H, R1087H.
Identifiers: ClinVar variation 236102 (VCV000236102.54), dbSNP rs768278935, ClinGen allele CA957928.

ClinVar aggregate classification (germline): Pathogenic/Likely pathogenic. Review status: criteria provided, multiple submitters, no conflicts (2 of 4 stars). 10 submissions from 9 submitters: Pathogenic (5); Likely pathogenic (3). 2 of the submissions do not count toward it. Last evaluated 2025-01-25.

Conditions:
ABCA4-related disorder. Also called: ABCA4-related disorders; ABCA4-related condition. Identifiers: MedGen CN239167.
Retinal dystrophy. Also called: Inherited retinal dystrophy. Identifiers: Orphanet 71862, MedGen C0854723, MeSH D058499, MONDO:0019118, HP:0000556.
Age related macular degeneration 2. Also called: MACULAR DEGENERATION, SENILE; MACULOPATHY, AGE-RELATED, 2; MACULOPATHY, AGE-RELATED. Identifiers: MedGen C3495438, MONDO:0007932, OMIM 153800.
Retinitis pigmentosa 19 (RP19). Also called: ABCA4-Related Retinitis Pigmentosa. Identifiers: Orphanet 791, MedGen C1866422, MONDO:0011137, OMIM 601718.
Cone-rod dystrophy 3 (CORD3). Identifiers: Orphanet 1872, MedGen C1858806, MONDO:0011395, OMIM 604116.
Severe early-childhood-onset retinal dystrophy (STGD1). Also called: MACULAR DYSTROPHY WITH FLECKS, TYPE 1; Stargardt macular dystrophy; Juvenile onset macular degeneration; Stargardt disease 1; STGD. Identifiers: Orphanet 364055, Orphanet 827, MedGen C1855465, MeSH D000080362, MONDO:0009549, OMIM 248200.
Stargardt disease (FFM). Also called: Stargardt's disease; Fundus flavimaculatus. Identifiers: Orphanet 827, MedGen C0271093, MONDO:0019353.
Autosomal recessive retinitis pigmentosa. Identifiers: MedGen C0339526.
Cone-rod dystrophy. Also called: Cone/cone-rod dystrophy; Cone-rod degeneration. Identifiers: Orphanet 1872, MedGen C4085590, MONDO:0015993, HP:0000548.

Allele frequency attached by ClinVar (database versions not stated): gnomAD 0.00001; ExAC 0.00002; gnomAD exomes 0.00002; TOPMed 0.00002.
gnomAD v4.1: 19 of 1,614,038 alleles (0.0012%); highest among the groups gnomAD compares: Middle Eastern, 0.016%; no homozygotes.

Submissions (10):

Labcorp Genetics (formerly Invitae), Labcorp
Classification: Pathogenic. Last evaluated: 2025-01-25. Review status: criteria provided, single submitter. Criteria: Invitae Variant Classification Sherloc (09022015). Collection method: clinical testing. Allele origin: germline.
Comment: This sequence change replaces arginine, which is basic and polar, with histidine, which is basic and polar, at codon 1161 of the ABCA4 protein (p.Arg1161His). The frequency data for this variant in the population databases is considered unreliable, as metrics indicate poor data quality at this position in the gnomAD database. This missense change has been observed in individual(s) with inherited retinal dystrophy (PMID: 26780318, 29925512, 31814694). In at least one individual the data is consistent with being in trans (on the opposite chromosome) from a pathogenic variant. ClinVar contains an entry for this variant (Variation ID: 236102). Invitae Evidence Modeling of protein sequence and biophysical properties (such as structural, functional, and spatial information, amino acid conservation, physicochemical variation, residue mobility, and thermodynamic stability) indicates that this missense variant is expected to disrupt ABCA4 protein function with a positive predictive value of 95%. For these reasons, this variant has been classified as Pathogenic.

PreventionGenetics, part of Exact Sciences
Classification: Pathogenic for ABCA4-related condition. Last evaluated: 2024-11-03. Review status: criteria provided, single submitter. Criteria: ACMG Guidelines, 2015. Collection method: clinical testing. Allele origin: germline.
Comment: The ABCA4 c.3482G>A variant is predicted to result in the amino acid substitution p.Arg1161His. This variant has been reported in multiple individuals with Stargardt disease or ABCA4-related retinal disease (for examples, see: Supplementary tables, Jiang et al. 2016. PubMed ID: 26780318; Supplementary table 2, Fujinami et al. 2018. PubMed ID: 29925512). A variant at the same amino acid position has also been associated with ABCA4-related retinal disease (p.Arg1161Cys, Supplementary table 2, Fujinami et al. 2018. PubMed ID: 29925512). This variant is reported in 0.0050% of alleles in individuals of East Asian descent in gnomAD. This variant is interpreted as pathogenic.

Blueprint Genetics
Classification: Pathogenic for ABCA4-related disorders. Last evaluated: 2024-05-31. Review status: criteria provided, single submitter. Criteria: ACMG Guidelines, 2015. Collection method: clinical testing. Allele origin: germline. Affected: yes. Observed: 5 variant alleles.

Fulgent Genetics
Classification: Pathogenic for Age related macular degeneration 2; Severe early-childhood-onset retinal dystrophy; Retinitis pigmentosa 19; Cone-rod dystrophy 3. Last evaluated: 2024-04-17. Review status: criteria provided, single submitter. Criteria: ACMG Guidelines, 2015. Collection method: clinical testing. Allele origin: germline.

Women's Health and Genetics/Laboratory Corporation of America, LabCorp
Classification: Pathogenic for Stargardt disease. Last evaluated: 2023-08-28. Review status: criteria provided, single submitter. Criteria: LabCorp Variant Classification Summary - May 2015. Collection method: clinical testing. Allele origin: germline.
Comment: Variant summary: ABCA4 c.3482G>A (p.Arg1161His) results in a non-conservative amino acid change in the encoded protein sequence. Five of five in-silico tools predict a damaging effect of the variant on protein function. The variant allele was found at a frequency of 2e-05 in 251464 control chromosomes. c.3482G>A has been reported in the literature along with at-least five different apparently pathogenic variants in multiple individuals affected with Stargardt Disease (STGD) and macular and cone/cone-rod dystrophy (examples, Jiang_2015, Fujinami_2019, Hanany_2020, Hu_ABCA4_FG_2019, Sharon_2019, Weisschuh_2020, Birtel_2018). These data indicate that the variant is very likely to be associated with disease. To our knowledge, no experimental evidence demonstrating an impact on protein function has been reported. The following publications have been ascertained in the context of this evaluation (PMID: 29555955, 29925512, 31964843, 31543898, 26780318, 31456290, 32531858). Five submitters have cited clinical-significance assessments for this variant to ClinVar after 2014. All submitters classified the variant as pathogenic/likely pathogenic. Based on the evidence outlined above, the variant was classified as pathogenic.

Institute of Human Genetics, Univ. Regensburg, Univ. Regensburg
Classification: Likely pathogenic for Retinal dystrophy. Last evaluated: 2020-01-01. Review status: criteria provided, single submitter. Criteria: ACMG Guidelines, 2015. Collection method: clinical testing. Allele origin: germline. Affected: yes.

CeGaT Center for Human Genetics Tuebingen
Classification: Likely pathogenic. Last evaluated: 2018-06-01. Review status: criteria provided, single submitter. Criteria: CeGaT Center For Human Genetics Tuebingen Variant Classification Criteria Version 2. Collection method: clinical testing. Allele origin: germline. Affected: yes. Observed: 1 variant allele.

Institute of Human Genetics, Univ. Regensburg, Univ. Regensburg
Classification: Likely pathogenic for Severe early-childhood-onset retinal dystrophy. Last evaluated: 2016-01-01. Review status: criteria provided, single submitter. Criteria: Schulz et al. (Invest Ophthalmol Vis Sci. 2017). Collection method: clinical testing. Allele origin: germline. Affected: yes. Observed: 1 heterozygote.

Sharon lab, Hadassah-Hebrew University Medical Center
Classification: Likely pathogenic for Cone-rod degeneration. Last evaluated: 2019-06-23. Review status: no assertion criteria provided. Collection method: research. Allele origin: inherited. Affected: yes. Not counted in ClinVar's aggregate classification.

Faculty of Health Sciences, Beirut Arab University
Classification: Pathogenic for Autosomal recessive Retinitis Pigmentosa. Last evaluated: 2018-09-03. Review status: no assertion criteria provided. Collection method: literature only. Allele origin: germline. Affected: yes. Observed: 4 variant alleles. Not counted in ClinVar's aggregate classification.

Literature cited by the submitters: PubMed 26780318 (cited by 3 submitters); PubMed 29925512 (cited by 3 submitters); PubMed 31814694 (cited by Labcorp Genetics (formerly Invitae), Labcorp and Institute of Human Genetics, Univ. Regensburg, Univ. Regensburg); PubMed 31456290 (cited by Women's Health and Genetics/Laboratory Corporation of America, LabCorp and Institute of Human Genetics, Univ. Regensburg, Univ. Regensburg); PubMed 32531858 (cited by Women's Health and Genetics/Laboratory Corporation of America, LabCorp and Institute of Human Genetics, Univ. Regensburg, Univ. Regensburg); PubMed 31964843 (cited by Women's Health and Genetics/Laboratory Corporation of America, LabCorp and Institute of Human Genetics, Univ. Regensburg, Univ. Regensburg); PubMed 31543898 (cited by Women's Health and Genetics/Laboratory Corporation of America, LabCorp); PubMed 29555955 (cited by Women's Health and Genetics/Laboratory Corporation of America, LabCorp and Institute of Human Genetics, Univ. Regensburg, Univ. Regensburg); PubMed 31589614 (cited by Institute of Human Genetics, Univ. Regensburg, Univ. Regensburg); PubMed 32307445 (cited by Institute of Human Genetics, Univ. Regensburg, Univ. Regensburg); PubMed 32845068 (cited by Institute of Human Genetics, Univ. Regensburg, Univ. Regensburg); PubMed 31816670 (cited by Institute of Human Genetics, Univ. Regensburg, Univ. Regensburg); PubMed 24265693 (cited by Institute of Human Genetics, Univ. Regensburg, Univ. Regensburg); PubMed 30054919 (cited by Faculty of Health Sciences, Beirut Arab University).